The following is an entry in ClinVar:

ClinVar aggregate classification (germline): Likely pathogenic (1 of 4 stars; one submission).

Conditions:
Neuropathy, hereditary sensory and autonomic, type 2A (HSAN2A). Also called: WNK1-Related HSAN2 (HSAN2A); ACROOSTEOLYSIS, GIACCAI TYPE; ACROOSTEOLYSIS, NEUROGENIC; HSAN IIA; MORVAN DISEASE; NEUROPATHY, CONGENITAL SENSORY. Identifiers: Orphanet 970, MedGen C2752089, MONDO:0024309, OMIM 201300.
Generalized epilepsy with febrile seizures plus, type 7 (GEFSP7). Also called: GEFS+, TYPE 7. Identifiers: Orphanet 36387, MedGen C2751778, MONDO:0013470, OMIM 613863.

Submission:

Labcorp Genetics (formerly Invitae), Labcorp
Classification: Likely pathogenic for Neuropathy, hereditary sensory and autonomic, type 2A; Generalized epilepsy with febrile seizures plus, type 7. Last evaluated: 2025-10-01. Review status: criteria provided, single submitter. Criteria: Invitae Variant Classification Sherloc (09022015). Collection method: clinical testing. Allele origin: germline.
Comment: This sequence change affects a donor splice site in intron 11 of the SCN9A gene. It is expected to disrupt RNA splicing. Variants that disrupt the donor or acceptor splice site typically lead to a loss of protein function (PMID: 16199547), and loss-of-function variants in SCN9A are known to be pathogenic (PMID: 17470132, 19304393). This variant is not present in population databases (gnomAD no frequency). This variant has not been reported in the literature in individuals affected with SCN9A-related conditions. ClinVar contains an entry for this variant (Variation ID: 1467513). Algorithms developed to predict the effect of sequence changes on RNA splicing suggest that this variant may disrupt the consensus splice site. In summary, the currently available evidence indicates that the variant is pathogenic, but additional data are needed to prove that conclusively. Therefore, this variant has been classified as Likely Pathogenic.

Literature cited by the submitters: PubMed 16199547; PubMed 17470132; PubMed 19304393.

NM_001365536.1(SCN9A):c.1602+1G>A

Genes: SCN9A (sodium voltage-gated channel alpha subunit 9; minus strand), SCN1A-AS1 (SCN1A and SCN9A antisense RNA 1; plus strand). Cytogenetic location: 2q24.3.
Variant type: single nucleotide variant.
Coding change: c.1602+1G>A on transcript NM_001365536.1 (MANE Select); the canonical splice donor site of the intron after coding-DNA position 1602, G replaced by A.
Molecular consequence: splice donor variant.
Genome position (GRCh38, 1-based): chr2:166,286,335, C>T on the plus strand (G>A on the coding strand, the complement: SCN9A is on the minus strand). VCF-style: chr2-166286335-C-T. GRCh37 (hg19) VCF-style: chr2-167142845-C-T.
Other names: c.1602+1G>A (NM_002977.4).
Identifiers: ClinVar variation 1467513 (VCV001467513.6), dbSNP rs2106486889, ClinGen allele CA349084146.